The following is an entry in ClinVar:

NM_001540.5(HSPB1):c.305A>G (p.Asn102Ser)

Gene: HSPB1 (heat shock protein family B (small) member 1; plus strand). Cytogenetic location: 7q11.23.
Variant type: single nucleotide variant.
Coding change: c.305A>G on transcript NM_001540.5 (MANE Select); coding-DNA position 305, A replaced by G.
Protein change: p.Asn102Ser; replaces asparagine 102 with serine.
Molecular consequence: missense variant.
Genome position (GRCh38, 1-based): chr7:76,303,017, A>G. VCF-style: chr7-76303017-A-G. GRCh37 (hg19) VCF-style: chr7-75932334-A-G.
Other names: short protein forms N102S.
Identifiers: ClinVar variation 840654 (VCV000840654.11), dbSNP rs765142574, ClinGen allele CA4306306.

ClinVar aggregate classification (germline): Uncertain significance. Review status: criteria provided, multiple submitters, no conflicts (2 of 4 stars). 2 submissions from 2 submitters: Uncertain significance (2). Last evaluated 2025-10-07.

Conditions:
Charcot-Marie-Tooth disease axonal type 2F (CMT2F). Also called: CHARCOT-MARIE-TOOTH DISEASE, NEURONAL, TYPE 2F; Charcot-Marie-Tooth Neuropathy Type 2F. Identifiers: Orphanet 99940, MedGen C1847823, MONDO:0011687, OMIM 606595.

Allele frequency attached by ClinVar (database versions not stated): TOPMed 0.00003; ExAC 0.00014.

Submissions (2):

Labcorp Genetics (formerly Invitae), Labcorp
Classification: Uncertain significance for Charcot-Marie-Tooth disease axonal type 2F. Last evaluated: 2025-10-07. Review status: criteria provided, single submitter. Criteria: Invitae Variant Classification Sherloc (09022015). Collection method: clinical testing. Allele origin: germline.
Comment: This sequence change replaces asparagine, which is neutral and polar, with serine, which is neutral and polar, at codon 102 of the HSPB1 protein (p.Asn102Ser). This variant is present in population databases (rs765142574, gnomAD 0.01%). This variant has not been reported in the literature in individuals affected with HSPB1-related conditions. ClinVar contains an entry for this variant (Variation ID: 840654). Invitae Evidence Modeling of protein sequence and biophysical properties (such as structural, functional, and spatial information, amino acid conservation, physicochemical variation, residue mobility, and thermodynamic stability) indicates that this missense variant is not expected to disrupt HSPB1 protein function with a negative predictive value of 95%. In summary, the available evidence is currently insufficient to determine the role of this variant in disease. Therefore, it has been classified as a Variant of Uncertain Significance.

GeneDx
Classification: Uncertain significance. Last evaluated: 2019-08-05. Review status: criteria provided, single submitter. Criteria: GeneDx Variant Classification Process June 2021. Collection method: clinical testing. Allele origin: germline. Affected: yes.
Comment: In silico analysis, which includes protein predictors and evolutionary conservation, supports that this variant does not alter protein structure/function; Has not been previously published as pathogenic or benign to our knowledge